The following is an entry in ClinVar:

ClinVar aggregate classification (germline): Uncertain significance (1 of 4 stars; one submission).

Conditions:
Joubert syndrome 8 (JBTS8). Identifiers: Orphanet 475, MedGen C2676771, MONDO:0012855, OMIM 612291.

Allele frequency attached by ClinVar (database versions not stated): gnomAD 0.00001; TOPMed 0.00005.
gnomAD v4.1: 4 of 1,609,732 alleles (0.00025%); highest among the groups gnomAD compares: African/African-American, 0.0054%; no homozygotes.

Submission:

Labcorp Genetics (formerly Invitae), Labcorp
Classification: Uncertain significance for Joubert syndrome 8. Last evaluated: 2022-07-19. Review status: criteria provided, single submitter. Criteria: Invitae Variant Classification Sherloc (09022015). Collection method: clinical testing. Allele origin: germline.
Comment: This sequence change replaces threonine, which is neutral and polar, with serine, which is neutral and polar, at codon 373 of the ARL13B protein (p.Thr373Ser). This variant is present in population databases (rs747940414, gnomAD 0.008%). This variant has not been reported in the literature in individuals affected with ARL13B-related conditions. ClinVar contains an entry for this variant (Variation ID: 957751). Algorithms developed to predict the effect of missense changes on protein structure and function (SIFT, PolyPhen-2, Align-GVGD) all suggest that this variant is likely to be tolerated. In summary, the available evidence is currently insufficient to determine the role of this variant in disease. Therefore, it has been classified as a Variant of Uncertain Significance.

NM_001174150.2(ARL13B):c.1117A>T (p.Thr373Ser)

Gene: ARL13B (ARF like GTPase 13B; plus strand). Cytogenetic location: 3q11.2.
Variant type: single nucleotide variant.
Coding change: c.1117A>T on transcript NM_001174150.2 (MANE Select); coding-DNA position 1117, A replaced by T.
Protein change: p.Thr373Ser; replaces threonine 373 with serine.
Molecular consequence: missense variant. On other transcripts: non-coding transcript variant (2).
Genome position (GRCh38, 1-based): chr3:94,049,498, A>T. VCF-style: chr3-94049498-A-T. GRCh37 (hg19) VCF-style: chr3-93768342-A-T.
Other names: c.808A>T, p.Thr270Ser (NM_001174151.2); c.1072A>T, p.Thr358Ser (NM_001321328.2); c.796A>T, p.Thr266Ser (NM_144996.4); c.1117A>T, p.Thr373Ser (NM_182896.3); short protein forms T358S, T266S, T270S, T373S.
Identifiers: ClinVar variation 957751 (VCV000957751.4), dbSNP rs747940414, ClinGen allele CA2504261.